The following is an entry in ClinVar:

NM_000448.3(RAG1):c.1903G>T (p.Ala635Ser)

Gene: RAG1 (recombination activating 1; plus strand). Cytogenetic location: 11p12.
Variant type: single nucleotide variant.
Coding change: c.1903G>T on transcript NM_000448.3 (MANE Select); coding-DNA position 1903, G replaced by T.
Protein change: p.Ala635Ser; replaces alanine 635 with serine.
Molecular consequence: missense variant.
Genome position (GRCh38, 1-based): chr11:36,575,207, G>T. VCF-style: chr11-36575207-G-T. GRCh37 (hg19) VCF-style: chr11-36596757-G-T.
Other names: c.1903G>T, p.Ala635Ser (NM_001377277.1, NM_001377278.1, NM_001377279.1 and 1 more transcripts); short protein forms A635S.
Identifiers: ClinVar variation 1047311 (VCV001047311.8), dbSNP rs1322150766, ClinGen allele CA380153554.

ClinVar aggregate classification (germline): Uncertain significance (1 of 4 stars; one submission).

Conditions:
Combined immunodeficiency with skin granulomas. Identifiers: Orphanet 157949, MedGen C2673536, MONDO:0009306, OMIM 233650.
Severe combined immunodeficiency, autosomal recessive, T cell-negative, B cell-negative, NK cell-positive. Also called: Severe combined immunodeficiency due to complete RAG1/2 deficiency; SCID, T CELL-NEGATIVE, B CELL-NEGATIVE, NK CELL-POSITIVE; SCID, AR, T-cell negative, B-cell negative, NK cell-positive. Identifiers: Orphanet 331206, MedGen C1832322, MONDO:0011086, OMIM 601457.

Submission:

Labcorp Genetics (formerly Invitae), Labcorp
Classification: Uncertain significance for Combined immunodeficiency with skin granulomas; Severe combined immunodeficiency, autosomal recessive, T cell-negative, B cell-negative, NK cell-positive. Last evaluated: 2020-07-16. Review status: criteria provided, single submitter. Criteria: Invitae Variant Classification Sherloc (09022015). Collection method: clinical testing. Allele origin: germline.
Comment: In summary, the available evidence is currently insufficient to determine the role of this variant in disease. Therefore, it has been classified as a Variant of Uncertain Significance. Advanced modeling of protein sequence and biophysical properties (such as structural, functional, and spatial information, amino acid conservation, physicochemical variation, residue mobility, and thermodynamic stability) performed at Invitae indicates that this missense variant is not expected to disrupt RAG1 protein function. This variant has not been reported in the literature in individuals with RAG1-related conditions. This variant is not present in population databases (ExAC no frequency). This sequence change replaces alanine with serine at codon 635 of the RAG1 protein (p.Ala635Ser). The alanine residue is moderately conserved and there is a moderate physicochemical difference between alanine and serine.